The following is an entry in ClinVar:

NM_016122.3(CEP83):c.289G>A (p.Glu97Lys)

Gene: CEP83 (centrosomal protein 83; minus strand). Cytogenetic location: 12q22.
Variant type: single nucleotide variant.
Coding change: c.289G>A on transcript NM_016122.3 (MANE Select); coding-DNA position 289, G replaced by A.
Protein change: p.Glu97Lys; replaces glutamic acid 97 with lysine.
Molecular consequence: missense variant. On other transcripts: 5 prime UTR variant (6), non-coding transcript variant (3).
Genome position (GRCh38, 1-based): chr12:94,411,732, C>T on the plus strand (G>A on the coding strand, the complement: CEP83 is on the minus strand). VCF-style: chr12-94411732-C-T. GRCh37 (hg19) VCF-style: chr12-94805508-C-T.
Other names: c.289G>A, p.Glu97Lys (NM_001042399.2, NM_001346457.2, NM_001346460.2 and 4 more transcripts); c.-24G>A (NM_001346458.2, NM_001346459.2, NM_001346462.2 and 3 more transcripts); short protein forms E97K.
Identifiers: ClinVar variation 1935106 (VCV001935106.5), dbSNP rs759924969, ClinGen allele CA242066938.

ClinVar aggregate classification (germline): Uncertain significance (1 of 4 stars; one submission).

Conditions:
Nephronophthisis 18 (NPHP18). Identifiers: Orphanet 655, MedGen C3890591, MONDO:0014374, OMIM 615862.

Allele frequency attached by ClinVar (database versions not stated): gnomAD 0.00001.
gnomAD v4.1: 2 of 1,608,742 alleles (0.00012%); highest among the groups gnomAD compares: Admixed American, 0.0017%; no homozygotes.

Submission:

Labcorp Genetics (formerly Invitae), Labcorp
Classification: Uncertain significance for Nephronophthisis 18. Last evaluated: 2022-08-10. Review status: criteria provided, single submitter. Criteria: Invitae Variant Classification Sherloc (09022015). Collection method: clinical testing. Allele origin: germline.
Comment: This variant has not been reported in the literature in individuals affected with CEP83-related conditions. Algorithms developed to predict the effect of missense changes on protein structure and function are either unavailable or do not agree on the potential impact of this missense change (SIFT: "Not Available"; PolyPhen-2: "Benign"; Align-GVGD: "Not Available"). In summary, the available evidence is currently insufficient to determine the role of this variant in disease. Therefore, it has been classified as a Variant of Uncertain Significance. This variant is not present in population databases (gnomAD no frequency). This sequence change replaces glutamic acid, which is acidic and polar, with lysine, which is basic and polar, at codon 97 of the CEP83 protein (p.Glu97Lys).